The following is an entry in ClinVar:

ClinVar aggregate classification (germline): Pathogenic. Review status: criteria provided, multiple submitters, no conflicts (2 of 4 stars). 6 submissions from 5 submitters: Pathogenic (5). 1 of the submissions does not count toward it. Last evaluated 2026-10-12.

Conditions:
Sengers syndrome. Also called: Cardiomyopathy and cataract; MITOCHONDRIAL DNA DEPLETION SYNDROME 10 (CARDIOMYOPATHIC TYPE). Identifiers: Orphanet 1369, MedGen C1859317, MONDO:0008922, OMIM 212350.
Cataract 38. Also called: Cataract, autosomal recessive congenital 5; Cataract 38, autosomal recessive. Identifiers: Orphanet 91492, MedGen C3553494, MONDO:0013859, OMIM 614691.
Trichohepatoenteric syndrome 1 (THES1). Also called: DIARRHEA, FATAL INFANTILE, WITH TRICHORRHEXIS NODOSA. Identifiers: Orphanet 84064, MedGen C4551982, MONDO:0024541, OMIM 222470.

Allele frequency attached by ClinVar (database versions not stated): gnomAD 0.00001; gnomAD exomes 0.00003; TOPMed 0.00003; ExAC 0.00006.
gnomAD v4.1: 77 of 1,536,542 alleles (0.005%); highest among the groups gnomAD compares: East Asian, 0.014%; no homozygotes.

Submissions (6):

GeneDx
Classification: Pathogenic. Last evaluated: 2026-10-12. Review status: criteria provided, single submitter. Criteria: GeneDx Variant Classification Process June 2021. Collection method: clinical testing. Allele origin: germline.
Comment: Nonsense variant predicted to result in protein truncation or nonsense mediated decay in a gene for which loss of function is a known mechanism of disease; This variant is associated with the following publications: (PMID: 34164355, 28868593, 34356047, 33314127, 30287509, 31658717, 39817524, 41695748, 25208612)

Labcorp Genetics (formerly Invitae), Labcorp
Classification: Pathogenic for Sengers syndrome; Cataract 38. Last evaluated: 2025-09-28. Review status: criteria provided, single submitter. Criteria: Invitae Variant Classification Sherloc (09022015). Collection method: clinical testing. Allele origin: germline.
Comment: This sequence change creates a premature translational stop signal (p.Arg137*) in the AGK gene. It is expected to result in an absent or disrupted protein product. Loss-of-function variants in AGK are known to be pathogenic (PMID: 22284826). This variant is present in population databases (rs746709222, gnomAD 0.03%). This premature translational stop signal has been observed in individuals with Sengers syndrome (PMID: 25208612). ClinVar contains an entry for this variant (Variation ID: 209130). For these reasons, this variant has been classified as Pathogenic.

Victorian Clinical Genetics Services, Murdoch Childrens Research Institute
Classification: Pathogenic for Sengers syndrome. Last evaluated: 2020-06-11. Review status: criteria provided, single submitter. Criteria: ACMG Guidelines, 2015. Collection method: clinical testing. Allele origin: germline. Inheritance: Autosomal recessive inheritance.
Comment: Based on the classification scheme VCGS_Germline_v1.1.1, this variant is classified as Pathogenic. Following criteria are met: 0102 - Loss-of-function is a known mechanism of disease for this gene. (N) 0106 - This gene is known to be associated with autosomal recessive disease. (N) 0201 - Variant is predicted to cause nonsense-mediated decay (NMD) and loss of protein (exon 7 of 16). (P) 0251 - Variant is heterozygous. (N) 0304 - Variant is present in gnomAD <0.01 for a recessive condition (7 heterozygotes, 0 homozygotes). (P) 0701 - Comparable variants have very strong previous evidence for pathogenicity. Other variants predicted to cause NMD have been reported as pathogenic in individuals with Sengers syndrome (ClinVar, PMID: 25208612) (P) 0801 - Strong previous evidence of pathogenicity in unrelated individuals. The variant has been previously reported in patients with Sengers syndrome (ClinVar, PMID: 25208612). (P) 1201 - Heterozygous variant detected in trans with a second (at least likely) pathogenic heterozygous variant in a recessive disease. (N) Legend: (P) - Pathogenic, (N) - Neutral, (B) - Benign

Baylor Genetics
Classification: Pathogenic for Trichohepatoenteric syndrome 1. Last evaluated: 2017-09-01. Review status: criteria provided, single submitter. Criteria: ACMG Guidelines, 2015. Collection method: clinical testing. Allele origin: germline. Inheritance: Autosomal recessive inheritance. Affected: yes.
Comment: Heterozygotes are expected to be asymptomatic carriers.

Baylor Genetics
Classification: Pathogenic for Cataract and cardiomyopathy. Last evaluated: 2013-07-15. Review status: criteria provided, single submitter. Criteria: Yang et al. 2013. Collection method: clinical testing. Allele origin: paternal. Inheritance: Autosomal recessive inheritance. Affected: yes. Observed: 1 variant allele, 1 compound heterozygote. Study: Adult_WES.
Comment: This nonsense variant is categorized as deleterious according to ACMG guidelines (PMID:18414213).

Department of Heart Center, Qingdao Women and Children's Hospital
Classification: Pathogenic for Sengers syndrome. Review status: no assertion criteria provided. Collection method: curation. Allele origin: inherited. Affected: yes. Not counted in ClinVar's aggregate classification.

Literature cited by the submitters: PubMed 22284826 (cited by Labcorp Genetics (formerly Invitae), Labcorp); PubMed 25208612 (cited by 3 submitters); PubMed 25326635 (cited by Baylor Genetics); PubMed 26633545 (cited by Baylor Genetics); PubMed 28868593 (cited by Department of Heart Center, Qingdao Women and Children's Hospital); PubMed 23266196 (cited by Department of Heart Center, Qingdao Women and Children's Hospital).

NM_018238.4(AGK):c.409C>T (p.Arg137Ter)

Gene: AGK (acylglycerol kinase; plus strand). Cytogenetic location: 7q34.
Variant type: single nucleotide variant.
Coding change: c.409C>T on transcript NM_018238.4 (MANE Select); coding-DNA position 409, C replaced by T.
Protein change: p.Arg137Ter; replaces arginine 137 with a stop codon.
Molecular consequence: nonsense.
Genome position (GRCh38, 1-based): chr7:141,614,164, C>T. VCF-style: chr7-141614164-C-T. GRCh37 (hg19) VCF-style: chr7-141313964-C-T.
Other names: c.409C>T, p.Arg137Ter (NM_001364948.3); short protein forms R137*.
Identifiers: ClinVar variation 209130 (VCV000209130.13), dbSNP rs746709222, ClinGen allele CA250330.